The following is an entry in ClinVar:

NM_000282.4(PCCA):c.305A>C (p.His102Pro)

Gene: PCCA (propionyl-CoA carboxylase subunit alpha; plus strand). Cytogenetic location: 13q32.3.
Variant type: single nucleotide variant.
Coding change: c.305A>C on transcript NM_000282.4 (MANE Select); coding-DNA position 305, A replaced by C.
Protein change: p.His102Pro; replaces histidine 102 with proline.
Molecular consequence: missense variant. On other transcripts: 5 prime UTR variant (3), non-coding transcript variant (5).
Genome position (GRCh38, 1-based): chr13:100,154,983, A>C. VCF-style: chr13-100154983-A-C. GRCh37 (hg19) VCF-style: chr13-100807237-A-C.
Other names: c.227A>C, p.His76Pro (NM_001127692.3, NM_001352607.2, NM_001352608.2); c.305A>C, p.His102Pro (NM_001178004.2, NM_001352605.2, NM_001352606.2 and 1 more transcripts); c.-562A>C (NM_001352610.2, NM_001352611.2, NM_001352612.2); short protein forms H102P, H76P.
Identifiers: ClinVar variation 2067495 (VCV002067495.2), dbSNP rs766782802, ClinGen allele CA7033187.
Genomic context (GRCh38, chr13:100,154,983, plus strand): 5'-TGATGGTAATTCTTTTTGCTGGGCGCATCTGTTAATGCAGAAATTTGTCTCCTCAGGTTC[A>C]TGTGAAAATGGCGGATGAGGCTGTCTGTGTTGGCCCAGCTCCCACCAGTAAAAGCTACCT-3'
Protein context (NP_000273.2, residues 92-112): IHSDVDASSV[His102Pro]VKMADEAVCV

ClinVar aggregate classification (germline): Uncertain significance. Review status: criteria provided, multiple submitters, no conflicts (2 of 4 stars). 2 submissions from 2 submitters: Uncertain significance (2). Last evaluated 2024-03-04.

Conditions:
Propionic acidemia (PROP). Also called: GLYCINEMIA, KETOTIC; HYPERGLYCINEMIA WITH KETOACIDOSIS AND LEUKOPENIA; KETOTIC HYPERGLYCINEMIA. Identifiers: Orphanet 35, MedGen C0268579, MONDO:0011628, OMIM 606054, HP:0003571.
Inborn genetic diseases. Identifiers: MedGen C0950123, MeSH D030342.

Allele frequency attached by ClinVar (database versions not stated): gnomAD 0.00001; ExAC 0.00002.
gnomAD v4.1: 16 of 1,611,932 alleles (0.00099%); highest among the groups gnomAD compares: Admixed American, 0.0033%; no homozygotes.

Submissions (2):

Ambry Genetics
Classification: Uncertain significance for Inborn genetic diseases. Last evaluated: 2024-03-04. Review status: criteria provided, single submitter. Criteria: Ambry Variant Classification Scheme 2023. Collection method: clinical testing. Allele origin: germline.

Labcorp Genetics (formerly Invitae), Labcorp
Classification: Uncertain significance for Propionic acidemia. Last evaluated: 2022-08-21. Review status: criteria provided, single submitter. Criteria: Invitae Variant Classification Sherloc (09022015). Collection method: clinical testing. Allele origin: germline.
Comment: This sequence change replaces histidine, which is basic and polar, with proline, which is neutral and non-polar, at codon 102 of the PCCA protein (p.His102Pro). This variant is present in population databases (rs766782802, gnomAD 0.004%). This variant has not been reported in the literature in individuals affected with PCCA-related conditions. Advanced modeling of protein sequence and biophysical properties (such as structural, functional, and spatial information, amino acid conservation, physicochemical variation, residue mobility, and thermodynamic stability) performed at Invitae indicates that this missense variant is expected to disrupt PCCA protein function. In summary, the available evidence is currently insufficient to determine the role of this variant in disease. Therefore, it has been classified as a Variant of Uncertain Significance.